The following is an entry in ClinVar:

ClinVar aggregate classification (germline): Uncertain significance (1 of 4 stars; one submission).

Allele frequency attached by ClinVar (database versions not stated): ExAC 0.00001; gnomAD exomes 0.00001; TOPMed 0.00001.
gnomAD v4.1: 10 of 1,613,532 alleles (0.00062%); highest among the groups gnomAD compares: Middle Eastern, 0.017%; no homozygotes.

Submission:

Labcorp Genetics (formerly Invitae), Labcorp
Classification: Uncertain significance. Last evaluated: 2022-09-27. Review status: criteria provided, single submitter. Criteria: Invitae Variant Classification Sherloc (09022015). Collection method: clinical testing. Allele origin: germline.
Comment: This sequence change replaces aspartic acid, which is acidic and polar, with asparagine, which is neutral and polar, at codon 485 of the ERCC6 protein (p.Asp485Asn). This variant is present in population databases (rs750088876, gnomAD 0.006%). This variant has not been reported in the literature in individuals affected with ERCC6-related conditions. Advanced modeling of protein sequence and biophysical properties (such as structural, functional, and spatial information, amino acid conservation, physicochemical variation, residue mobility, and thermodynamic stability) performed at Invitae indicates that this missense variant is not expected to disrupt ERCC6 protein function. In summary, the available evidence is currently insufficient to determine the role of this variant in disease. Therefore, it has been classified as a Variant of Uncertain Significance.

NM_000124.4(ERCC6):c.1453G>A (p.Asp485Asn)

Gene: ERCC6 (ERCC excision repair 6, chromatin remodeling factor; minus strand). Cytogenetic location: 10q11.23.
Variant type: single nucleotide variant.
Coding change: c.1453G>A on transcript NM_000124.4 (MANE Select); coding-DNA position 1453, G replaced by A.
Protein change: p.Asp485Asn; replaces aspartic acid 485 with asparagine.
Molecular consequence: missense variant.
Genome position (GRCh38, 1-based): chr10:49,505,957, C>T on the plus strand (G>A on the coding strand, the complement: ERCC6 is on the minus strand). VCF-style: chr10-49505957-C-T. GRCh37 (hg19) VCF-style: chr10-50714003-C-T.
Other names: c.1453G>A, p.Asp485Asn (NM_001346440.2); short protein forms D485N.
Identifiers: ClinVar variation 2142156 (VCV002142156.1), dbSNP rs750088876, ClinGen allele CA5495965.
Genomic context (GRCh38, chr10:49,505,957, plus strand): 5'-TGAACAGAAAACCTGGCACTTTAAAACCTTCGTCAAATTCAGCATCACTTTCCTCAGAAT[C>T]GTCCTCCAGCTTCAGACGTTTCTCTTTGTCCTGCAGTCTCAGTTTATTCCATCTCCTACC-3'
Protein context (NP_000115.1, residues 475-495): DKEKRLKLED[Asp485Asn]SEESDAEFDE